The following is an entry in ClinVar:

NM_199420.4(POLQ):c.3851A>G (p.Asn1284Ser)

Gene: POLQ (DNA polymerase theta; minus strand). Cytogenetic location: 3q13.33.
Variant type: single nucleotide variant.
Coding change: c.3851A>G on transcript NM_199420.4 (MANE Select); coding-DNA position 3851, A replaced by G.
Protein change: p.Asn1284Ser; replaces asparagine 1284 with serine.
Molecular consequence: missense variant.
Genome position (GRCh38, 1-based): chr3:121,489,080, T>C on the plus strand (A>G on the coding strand, the complement: POLQ is on the minus strand). VCF-style: chr3-121489080-T-C. GRCh37 (hg19) VCF-style: chr3-121207927-T-C.
Other names: short protein forms N1284S.
Identifiers: ClinVar variation 3229970 (VCV003229970.1), dbSNP rs2048040305, ClinGen allele CA354096911.

ClinVar aggregate classification (germline): Uncertain significance (1 of 4 stars; one submission).

Submission:

Ambry Genetics
Classification: Uncertain significance. Last evaluated: 2024-01-28. Review status: criteria provided, single submitter. Criteria: Ambry Variant Classification Scheme 2023. Collection method: clinical testing. Allele origin: germline.
Comment: The p.N1284S variant (also known as c.3851A>G), located in coding exon 16 of the POLQ gene, results from an A to G substitution at nucleotide position 3851. The asparagine at codon 1284 is replaced by serine, an amino acid with highly similar properties. This amino acid position is conserved. In addition, this alteration is predicted to be tolerated by in silico analysis. Based on the available evidence, the clinical significance of this alteration remains unclear.